The following is an entry in ClinVar:

ClinVar aggregate classification (germline): Uncertain significance (1 of 4 stars; one submission).

Conditions:
Hereditary sensory and autonomic neuropathy type 6. Also called: HSAN VI; Neuropathy, hereditary sensory and autonomic, type VI. Identifiers: Orphanet 314381, MedGen C3539003, MONDO:0013839, OMIM 614653.
Epidermolysis bullosa simplex 3, localized or generalized intermediate, with BP230 deficiency (EBS3). Also called: Epidermolysis bullosa simplex due to BP230 deficiency; Epidermolysis bullosa simplex, autosomal recessive 2. Identifiers: Orphanet 412181, MedGen C3809470, MONDO:0014180, OMIM 615425.

Allele frequency attached by ClinVar (database versions not stated): ExAC 0.00001; TOPMed 0.00001; gnomAD exomes 0.00002; ESP Exome Variant Server 0.00008.
gnomAD v4.1: 35 of 1,613,816 alleles (0.0022%); highest among the groups gnomAD compares: Non-Finnish European, 0.0027%; no homozygotes.

Submission:

Labcorp Genetics (formerly Invitae), Labcorp
Classification: Uncertain significance for Epidermolysis bullosa simplex 3, localized or generalized intermediate, with BP230 deficiency; Hereditary sensory and autonomic neuropathy type 6. Last evaluated: 2025-04-23. Review status: criteria provided, single submitter. Criteria: Invitae Variant Classification Sherloc (09022015). Collection method: clinical testing. Allele origin: germline.
Comment: The DST gene has multiple clinically relevant transcripts. This variant occurs in alternate transcript NM_015548.4, and corresponds to NM_001723.5:c.*155291G>A in the primary transcript. This sequence change replaces arginine, which is basic and polar, with glutamine, which is neutral and polar, at codon 5053 of the DST protein (p.Arg5053Gln). This variant is present in population databases (rs372639720, gnomAD 0.005%). This variant has not been reported in the literature in individuals affected with DST-related conditions. Experimental studies and prediction algorithms are not available or were not evaluated, and the functional significance of this variant is currently unknown. In summary, the available evidence is currently insufficient to determine the role of this variant in disease. Therefore, it has been classified as a Variant of Uncertain Significance.

NM_001374736.1(DST):c.23099G>A (p.Arg7700Gln)

Gene: DST (dystonin; minus strand). Cytogenetic location: 6p12.1.
Variant type: single nucleotide variant.
Coding change: c.23099G>A on transcript NM_001374736.1 (MANE Select); coding-DNA position 23099, G replaced by A.
Protein change: p.Arg7700Gln; replaces arginine 7700 with glutamine.
Molecular consequence: missense variant.
Genome position (GRCh38, 1-based): chr6:56,460,226, C>T on the plus strand (G>A on the coding strand, the complement: DST is on the minus strand). VCF-style: chr6-56460226-C-T. GRCh37 (hg19) VCF-style: chr6-56325024-C-T.
Other names: c.16670G>A, p.Arg5557Gln (NM_001144769.5); c.16256G>A, p.Arg5419Gln (NM_001144770.2); c.23027G>A, p.Arg7676Gln (NM_001374722.1); c.22028G>A, p.Arg7343Gln (NM_001374729.1); c.15770G>A, p.Arg5257Gln (NM_001374730.1); c.23054G>A, p.Arg7685Gln (NM_001374734.1); c.16118G>A, p.Arg5373Gln (NM_001386100.1); c.15158G>A, p.Arg5053Gln (NM_015548.5); and 1 more; short protein forms R5257Q, R5419Q, R5557Q, R7343Q, R5053Q, R5379Q, R7685Q, R7700Q.
Identifiers: ClinVar variation 2153789 (VCV002153789.4), dbSNP rs372639720, ClinGen allele CA3866032.